The following is an entry in ClinVar:

NM_182914.3(SYNE2):c.1882T>G (p.Leu628Val)

Gene: SYNE2 (spectrin repeat containing nuclear envelope protein 2; plus strand). Cytogenetic location: 14q23.2.
Variant type: single nucleotide variant.
Coding change: c.1882T>G on transcript NM_182914.3 (MANE Select); coding-DNA position 1882, T replaced by G.
Protein change: p.Leu628Val; replaces leucine 628 with valine.
Molecular consequence: missense variant.
Genome position (GRCh38, 1-based): chr14:63,982,675, T>G. VCF-style: chr14-63982675-T-G. GRCh37 (hg19) VCF-style: chr14-64449393-T-G.
Other names: c.1882T>G, p.Leu628Val (NM_015180.6); short protein forms L628V.
Identifiers: ClinVar variation 1716431 (VCV001716431.5), dbSNP rs2550878206, ClinGen allele CA389962914.
Genomic context (GRCh38, chr14:63,982,675, plus strand): 5'-TTGTGTATCATGTAGGTACCCTTTGAGACACTAGCCCAGTGGAATCTAGAACACGCTACT[T>G]TAAATGAAGCAGGAAATTTCTTAGTCGAAGTCAGCAATGATGTGGTTGGATCATCTATTT-3'
Protein context (NP_878918.2, residues 618-638): LAQWNLEHAT[Leu628Val]NEAGNFLVEV

ClinVar aggregate classification (germline): Uncertain significance (1 of 4 stars; one submission).

Conditions:
Emery-Dreifuss muscular dystrophy 5, autosomal dominant (EDMD5). Also called: EMERY-DREIFUSS MUSCULAR DYSTROPHY 5. Identifiers: Orphanet 261, MedGen C2751805, MONDO:0013072, OMIM 612999.

Submission:

Labcorp Genetics (formerly Invitae), Labcorp
Classification: Uncertain significance for Emery-Dreifuss muscular dystrophy 5, autosomal dominant. Last evaluated: 2025-11-10. Review status: criteria provided, single submitter. Criteria: Invitae Variant Classification Sherloc (09022015). Collection method: clinical testing. Allele origin: germline.
Comment: This sequence change replaces leucine, which is neutral and non-polar, with valine, which is neutral and non-polar, at codon 628 of the SYNE2 protein (p.Leu628Val). This variant is not present in population databases (gnomAD no frequency). This variant has not been reported in the literature in individuals affected with SYNE2-related conditions. ClinVar contains an entry for this variant (Variation ID: 1716431). An algorithm developed to predict the effect of missense changes on protein structure and function outputs the following: PolyPhen-2: "Possibly Damaging". The valine amino acid residue is found in multiple mammalian species, which suggests that this missense change does not adversely affect protein function. In summary, the available evidence is currently insufficient to determine the role of this variant in disease. Therefore, it has been classified as a Variant of Uncertain Significance.